The following is an entry in ClinVar:

NM_001009944.3(PKD1):c.2748C>T (p.Ser916=)

Gene: PKD1 (polycystin 1, transient receptor potential channel interacting; minus strand). Cytogenetic location: 16p13.3.
Variant type: single nucleotide variant.
Coding change: c.2748C>T on transcript NM_001009944.3 (MANE Select); coding-DNA position 2748, C replaced by T.
Protein change: p.Ser916=; no amino-acid change (serine 916 retained).
Molecular consequence: synonymous variant.
Genome position (GRCh38, 1-based): chr16:2,114,275, G>A on the plus strand (C>T on the coding strand, the complement: PKD1 is on the minus strand). VCF-style: chr16-2114275-G-A. GRCh37 (hg19) VCF-style: chr16-2164276-G-A.
Other names: c.2748C>T, p.Ser916= (NM_000296.4).
Identifiers: ClinVar variation 3030419 (VCV003030419.2), dbSNP rs149777511, ClinGen allele CA7833112.

ClinVar aggregate classification (germline): Likely benign (0 of 4 stars; one submission).

Conditions:
PKD1-related disorder. Also called: PKD1-related condition.

Allele frequency attached by ClinVar (database versions not stated): TOPMed 0.00004; gnomAD 0.00005; ExAC 0.00006; gnomAD exomes 0.00007; ESP Exome Variant Server 0.00008.

Submission:

PreventionGenetics, part of Exact Sciences
Classification: Likely benign for PKD1-related condition. Last evaluated: 2023-02-17. Review status: no assertion criteria provided. Collection method: clinical testing. Allele origin: germline.
Comment: This variant is classified as likely benign based on ACMG/AMP sequence variant interpretation guidelines (Richards et al. 2015 PMID: 25741868, with internal and published modifications).